The following is an entry in ClinVar:

ClinVar aggregate classification (germline): Likely benign. Review status: criteria provided, multiple submitters, no conflicts (2 of 4 stars). 7 submissions from 7 submitters: Likely benign (7). Last evaluated 2026-05-08.

Conditions:
Cardiovascular phenotype. Identifiers: MedGen CN230736.
Catecholaminergic polymorphic ventricular tachycardia (CVPT). Also called: Catecholamine-induced polymorphic ventricular tachycardia. Identifiers: Orphanet 3286, MedGen C5574922, MONDO:0017990.
Cardiomyopathy (CMYO). Also called: Cardiomyopathies. Identifiers: Orphanet 167848, MedGen C0878544, MONDO:0004994, HP:0001638. Inheritance: Various modes of inheritance.
Catecholaminergic polymorphic ventricular tachycardia 1. Also called: RYR2-Related Catecholaminergic Polymorphic Ventricular Tachycardia; VENTRICULAR TACHYCARDIA, CATECHOLAMINERGIC POLYMORPHIC, 1, WITH OR WITHOUT ATRIAL DYSFUNCTION AND/OR DILATED CARDIOMYOPATHY; VENTRICULAR TACHYCARDIA, STRESS-INDUCED POLYMORPHIC 1. Identifiers: Orphanet 3286, MedGen C1631597, MONDO:0011484, OMIM 604772.

Allele frequency attached by ClinVar (database versions not stated): TOPMed 0.00003; ESP Exome Variant Server 0.00008.
gnomAD v4.1: 21 of 1,609,216 alleles (0.0013%); highest among the groups gnomAD compares: South Asian, 0.0045%; no homozygotes.

Submissions (7):

Women's Health and Genetics/Laboratory Corporation of America, LabCorp
Classification: Likely benign. Last evaluated: 2026-05-08. Review status: criteria provided, single submitter. Criteria: LabCorp Variant Classification Summary - May 2015. Collection method: clinical testing. Allele origin: germline.

Labcorp Genetics (formerly Invitae), Labcorp
Classification: Likely benign for Catecholaminergic polymorphic ventricular tachycardia 1. Last evaluated: 2025-08-03. Review status: criteria provided, single submitter. Criteria: Invitae Variant Classification Sherloc (09022015). Collection method: clinical testing. Allele origin: germline.

CeGaT Center for Human Genetics Tuebingen
Classification: Likely benign. Last evaluated: 2025-08-01. Review status: criteria provided, single submitter. Criteria: CeGaT Center For Human Genetics Tuebingen Variant Classification Criteria Version 2. Collection method: clinical testing. Allele origin: germline. Affected: yes. Observed: 1 variant allele.
Comment: RYR2: BP4, BP7

All of Us Research Program, National Institutes of Health
Classification: Likely benign for Catecholaminergic polymorphic ventricular tachycardia. Last evaluated: 2024-02-05. Review status: criteria provided, single submitter. Criteria: ACMG Guidelines, 2015. Collection method: clinical testing. Allele origin: germline. Inheritance: Autosomal dominant inheritance. Observed: 8 variant alleles, 8 heterozygotes.
Comment: This study involves interpretation of variants in research participants for the purpose of population health screening. Participant phenotype was not available at the time of variant classification. Additional details can be found in publication PMID: 35346344, PMCID: PMC8962531

Color Diagnostics, LLC DBA Color Health
Classification: Likely benign for Cardiomyopathy. Last evaluated: 2020-06-07. Review status: criteria provided, single submitter. Criteria: ACMG Guidelines, 2015. Collection method: clinical testing. Allele origin: germline.

Ambry Genetics
Classification: Likely benign for Cardiovascular phenotype. Last evaluated: 2018-05-11. Review status: criteria provided, single submitter. Criteria: Ambry Variant Classification Scheme 2023. Collection method: clinical testing. Allele origin: germline.

Laboratory for Molecular Medicine, Mass General Brigham Personalized Medicine
Classification: Likely benign. Last evaluated: 2012-03-19. Review status: criteria provided, single submitter. Criteria: LMM Criteria. Collection method: clinical testing. Allele origin: germline. Observed: 1 variant allele.
Comment: Ser2246Ser in exon 44 of RYR2: This variant is not expected to have clinical sig nificance because it does not alter an amino acid residue and is not located wit hin the splice consensus sequence. It has been identified in 1/6702 European Ame rican chromosomes from a broad population by the NHLBI Exome Sequencing Project.

NM_001035.3(RYR2):c.6738G>A (p.Ser2246=)

Gene: RYR2 (ryanodine receptor 2; plus strand). Cytogenetic location: 1q43.
Variant type: single nucleotide variant.
Coding change: c.6738G>A on transcript NM_001035.3 (MANE Select); coding-DNA position 6738, G replaced by A.
Protein change: p.Ser2246=; no amino-acid change (serine 2246 retained).
Molecular consequence: synonymous variant.
Genome position (GRCh38, 1-based): chr1:237,634,938, G>A. VCF-style: chr1-237634938-G-A. GRCh37 (hg19) VCF-style: chr1-237798238-G-A.
Identifiers: ClinVar variation 178122 (VCV000178122.31), dbSNP rs368207198, ClinGen allele CA010294.